The following is an entry in ClinVar:

NM_025099.6(CTC1):c.2800G>A (p.Ala934Thr)

Gene: CTC1 (CST telomere replication complex component 1; minus strand). Cytogenetic location: 17p13.1.
Variant type: single nucleotide variant.
Coding change: c.2800G>A on transcript NM_025099.6 (MANE Select); coding-DNA position 2800, G replaced by A.
Protein change: p.Ala934Thr; replaces alanine 934 with threonine.
Molecular consequence: missense variant. On other transcripts: non-coding transcript variant (1).
Genome position (GRCh38, 1-based): chr17:8,230,427, C>T on the plus strand (G>A on the coding strand, the complement: CTC1 is on the minus strand). VCF-style: chr17-8230427-C-T. GRCh37 (hg19) VCF-style: chr17-8133745-C-T.
Other names: short protein forms A934T.
Identifiers: ClinVar variation 940077 (VCV000940077.12), dbSNP rs369721966, ClinGen allele CA8371963.

ClinVar aggregate classification (germline): Uncertain significance. Review status: criteria provided, multiple submitters, no conflicts (2 of 4 stars). 5 submissions from 5 submitters: Uncertain significance (5). Last evaluated 2026-02-02.

Conditions:
Dyskeratosis congenita. Identifiers: Orphanet 1775, MedGen C0265965, MONDO:0015780.
Cerebroretinal microangiopathy with calcifications and cysts 1 (CRMCC1). Identifiers: Orphanet 313838, MedGen C4552029, MONDO:0024564, OMIM 612199.

Allele frequency attached by ClinVar (database versions not stated): ExAC 0.00002; TOPMed 0.00006; 1000 Genomes Project 30x 0.00031; gnomAD exomes 0.00001 and 0.00002; gnomAD 0.00005; ESP Exome Variant Server 0.00016; 1000 Genomes Project 0.00020.

Submissions (5):

Dasa
Classification: Uncertain significance. Last evaluated: 2026-02-02. Review status: criteria provided, single submitter. Criteria: DASA Assertion Criteria. Collection method: clinical testing. Allele origin: germline.
Comment: NM_025099.6(CTC1):c.2800G>A (p.Ala934Thr) is a missense variant that results in the substitution of alanine with threonine. This variant is rare in population databases. The currently available literature and clinical evidence are not sufficient to establish a definitive association between this variant and the reported condition. Therefore, this variant is classified as a variant of uncertain significance.

Labcorp Genetics (formerly Invitae), Labcorp
Classification: Uncertain significance for Dyskeratosis congenita. Last evaluated: 2025-10-11. Review status: criteria provided, single submitter. Criteria: Invitae Variant Classification Sherloc (09022015). Collection method: clinical testing. Allele origin: germline.
Comment: This sequence change replaces alanine, which is neutral and non-polar, with threonine, which is neutral and polar, at codon 934 of the CTC1 protein (p.Ala934Thr). This variant is present in population databases (rs369721966, gnomAD 0.02%). This variant has not been reported in the literature in individuals affected with CTC1-related conditions. ClinVar contains an entry for this variant (Variation ID: 940077). Invitae Evidence Modeling of protein sequence and biophysical properties (such as structural, functional, and spatial information, amino acid conservation, physicochemical variation, residue mobility, and thermodynamic stability) indicates that this missense variant is expected to disrupt CTC1 protein function with a positive predictive value of 80%. In summary, the available evidence is currently insufficient to determine the role of this variant in disease. Therefore, it has been classified as a Variant of Uncertain Significance.

Sema4
Classification: Uncertain significance for Dyskeratosis congenita. Last evaluated: 2021-12-17. Review status: criteria provided, single submitter. Criteria: Sema4 Curation Guidelines. Collection method: curation. Allele origin: germline.
Comment: The CTC1 c.2800G>A (p.A934T) variant has not been reported in the literature to our knowledge. It was observed in 3/15484 chromosomes of the African/African American subpopulation, in the large and broad cohorts of the Genome Aggregation Database (PMID: 32461654). This variant has been reported in ClinVar (Variation ID 940077). Functional studies have not been performed, and in silico predictions of the variant's effect on protein function are inconclusive. The evidence is insufficient to meet ACMG/AMP criteria for classifying the variant as benign or pathogenic. Thus, the clinical significance of this variant is currently uncertain.

Genome-Nilou Lab
Classification: Uncertain significance for Cerebroretinal microangiopathy with calcifications and cysts 1. Last evaluated: 2021-07-15. Review status: criteria provided, single submitter. Criteria: ACMG Guidelines, 2015. Collection method: clinical testing. Allele origin: germline. Affected: no.

GeneDx
Classification: Uncertain significance. Last evaluated: 2019-12-03. Review status: criteria provided, single submitter. Criteria: GeneDx Variant Classification Process June 2021. Collection method: clinical testing. Allele origin: germline. Affected: yes.
Comment: Has not been previously published as pathogenic or benign to our knowledge; In silico analysis, which includes protein predictors and evolutionary conservation, supports that this variant does not alter protein structure/function